The following is an entry in ClinVar:

ClinVar aggregate classification (germline): Uncertain significance. Review status: criteria provided, multiple submitters, no conflicts (2 of 4 stars). 3 submissions from 3 submitters: Uncertain significance (3). Last evaluated 2026-09-11.

Conditions:
GRHPR-related disorder. Also called: GRHPR-related condition.
Primary hyperoxaluria, type II (HP2). Also called: D-GLYCERATE DEHYDROGENASE DEFICIENCY; GLYCERIC ACIDURIA; OXALOSIS II; Primary hyperoxaluria type 2; GLYOXYLATE REDUCTASE/HYDROXYPYRUVATE REDUCTASE DEFICIENCY. Identifiers: Orphanet 416, Orphanet 93599, MedGen C0268165, MONDO:0009824, OMIM 260000. Disease mechanism: loss of function.

Allele frequency attached by ClinVar (database versions not stated): gnomAD exomes 0.00001 and 0.00002; TOPMed 0.00001; ExAC 0.00002.

Submissions (3):

PreventionGenetics, part of Exact Sciences
Classification: Uncertain significance for GRHPR-related condition. Last evaluated: 2026-09-11. Review status: criteria provided, single submitter. Criteria: ACMG Guidelines, 2015. Collection method: clinical testing. Allele origin: germline.
Comment: The GRHPR c.487C>T variant is predicted to result in the amino acid substitution p.Arg163Cys. To our knowledge, this variant has not been reported in the literature. This variant is reported in 0.0033% of alleles in individuals of South Asian descent in gnomAD. At this time, the clinical significance of this variant is uncertain due to the absence of conclusive functional and genetic evidence.

Fulgent Genetics
Classification: Uncertain significance for Primary hyperoxaluria, type II. Last evaluated: 2024-01-31. Review status: criteria provided, single submitter. Criteria: ACMG Guidelines, 2015. Collection method: clinical testing. Allele origin: germline.

Illumina Laboratory Services, Illumina
Classification: Uncertain significance for Primary hyperoxaluria, type II. Last evaluated: 2018-01-13. Review status: criteria provided, single submitter. Criteria: ICSL Variant Classification Criteria 13 December 2019. Collection method: clinical testing. Allele origin: germline.

NM_012203.2(GRHPR):c.487C>T (p.Arg163Cys)

Gene: GRHPR (glyoxylate and hydroxypyruvate reductase; plus strand). Cytogenetic location: 9p13.2.
Variant type: single nucleotide variant.
Coding change: c.487C>T on transcript NM_012203.2 (MANE Select); coding-DNA position 487, C replaced by T.
Protein change: p.Arg163Cys; replaces arginine 163 with cysteine.
Molecular consequence: missense variant.
Genome position (GRCh38, 1-based): chr9:37,428,566, C>T. VCF-style: chr9-37428566-C-T. GRCh37 (hg19) VCF-style: chr9-37428563-C-T.
Other names: short protein forms R163C.
Identifiers: ClinVar variation 915249 (VCV000915249.7), dbSNP rs760782027, ClinGen allele CA5059065.
Genomic context (GRCh38, chr9:37,428,566, plus strand): 5'-CCCCTCTGGCTGTGTGGCTATGGACTCACGCAGAGCACTGTCGGCATCATCGGGCTGGGG[C>T]GCATAGGTGAGGCTCCCACCGGCCCGCTTGCCCGCCCCGGCTCTCACAGCGTGGTTTGCA-3'
Protein context (NP_036335.1, residues 153-173): QSTVGIIGLG[Arg163Cys]IGQAIARRLK